The following is an entry in ClinVar:

ClinVar aggregate classification (germline): Uncertain significance (1 of 4 stars; one submission).

Submission:

Labcorp Genetics (formerly Invitae), Labcorp
Classification: Uncertain significance. Last evaluated: 2024-07-15. Review status: criteria provided, single submitter. Criteria: Invitae Variant Classification Sherloc (09022015). Collection method: clinical testing. Allele origin: germline.
Comment: This sequence change replaces alanine, which is neutral and non-polar, with glycine, which is neutral and non-polar, at codon 50 of the COL11A2 protein (p.Ala50Gly). This variant is not present in population databases (gnomAD no frequency). This variant has not been reported in the literature in individuals affected with COL11A2-related conditions. ClinVar contains an entry for this variant (Variation ID: 1492114). Advanced modeling of protein sequence and biophysical properties (such as structural, functional, and spatial information, amino acid conservation, physicochemical variation, residue mobility, and thermodynamic stability) performed at Invitae indicates that this missense variant is not expected to disrupt COL11A2 protein function with a negative predictive value of 95%. In summary, the available evidence is currently insufficient to determine the role of this variant in disease. Therefore, it has been classified as a Variant of Uncertain Significance.

NM_080680.3(COL11A2):c.149C>G (p.Ala50Gly)

Gene: COL11A2 (collagen type XI alpha 2 chain; minus strand). Cytogenetic location: 6p21.32.
Variant type: single nucleotide variant.
Coding change: c.149C>G on transcript NM_080680.3 (MANE Select); coding-DNA position 149, C replaced by G.
Protein change: p.Ala50Gly; replaces alanine 50 with glycine.
Molecular consequence: missense variant.
Genome position (GRCh38, 1-based): chr6:33,189,403, G>C on the plus strand (C>G on the coding strand, the complement: COL11A2 is on the minus strand). VCF-style: chr6-33189403-G-C. GRCh37 (hg19) VCF-style: chr6-33157180-G-C.
Other names: c.149C>G, p.Ala50Gly (NM_001163771.2, NM_080679.3, NM_080681.3); short protein forms A50G.
Identifiers: ClinVar variation 1492114 (VCV001492114.6), dbSNP rs1772830656, ClinGen allele CA363613290.